The following is an entry in ClinVar:

ClinVar aggregate classification (germline): Uncertain significance (1 of 4 stars; one submission).

Conditions:
Carney complex, type 1 (CNC1). Also called: CARNEY COMPLEX, TYPE I; CARNEY MYXOMA-ENDOCRINE COMPLEX. Identifiers: Orphanet 1359, MedGen C2607929, MONDO:0008057, OMIM 160980.

Allele frequency attached by ClinVar (database versions not stated): gnomAD exomes below 0.00001.
gnomAD v4.1: 1 of 1,614,104 alleles (0.000062%); highest among the groups gnomAD compares: Non-Finnish European, 0.000085%; no homozygotes.

Submission:

Labcorp Genetics (formerly Invitae), Labcorp
Classification: Uncertain significance for Carney complex, type 1. Last evaluated: 2022-07-22. Review status: criteria provided, single submitter. Criteria: Invitae Variant Classification Sherloc (09022015). Collection method: clinical testing. Allele origin: germline.
Comment: In summary, the available evidence is currently insufficient to determine the role of this variant in disease. Therefore, it has been classified as a Variant of Uncertain Significance. Algorithms developed to predict the effect of missense changes on protein structure and function are either unavailable or do not agree on the potential impact of this missense change (SIFT: "Deleterious"; PolyPhen-2: "Benign"; Align-GVGD: "Class C0"). This variant has not been reported in the literature in individuals affected with PRKAR1A-related conditions. This variant is not present in population databases (gnomAD no frequency). This sequence change replaces serine, which is neutral and polar, with leucine, which is neutral and non-polar, at codon 77 of the PRKAR1A protein (p.Ser77Leu).

NM_002734.5(PRKAR1A):c.230C>T (p.Ser77Leu)

Gene: PRKAR1A (protein kinase cAMP-dependent type I regulatory subunit alpha; plus strand). Cytogenetic location: 17q24.2.
Variant type: single nucleotide variant.
Coding change: c.230C>T on transcript NM_002734.5 (MANE Select); coding-DNA position 230, C replaced by T.
Protein change: p.Ser77Leu; replaces serine 77 with leucine.
Molecular consequence: missense variant.
Genome position (GRCh38, 1-based): chr17:68,522,808, C>T. VCF-style: chr17-68522808-C-T. GRCh37 (hg19) VCF-style: chr17-66518949-C-T.
Other names: c.230C>T, p.Ser77Leu (NM_001276289.2, NM_001276290.1, NM_001278433.2 and 4 more transcripts); short protein forms S77L.
Identifiers: ClinVar variation 1713284 (VCV001713284.4), dbSNP rs2509398763, ClinGen allele CA400752270.